The following is an entry in ClinVar:

NM_004104.5(FASN):c.7288G>A (p.Ala2430Thr)

Genes: FASN (fatty acid synthase; minus strand), LOC129390948 (MPRA-validated peak3028 silencer; plus strand). Cytogenetic location: 17q25.3.
Variant type: single nucleotide variant.
Coding change: c.7288G>A on transcript NM_004104.5 (MANE Select); coding-DNA position 7288, G replaced by A.
Protein change: p.Ala2430Thr; replaces alanine 2430 with threonine.
Molecular consequence: missense variant.
Genome position (GRCh38, 1-based): chr17:82,079,467, C>T on the plus strand (G>A on the coding strand, the complement: FASN is on the minus strand). VCF-style: chr17-82079467-C-T. GRCh37 (hg19) VCF-style: chr17-80037343-C-T.
Other names: short protein forms A2430T.
Identifiers: ClinVar variation 3848898 (VCV003848898.2).

ClinVar aggregate classification (germline): Uncertain significance. Review status: criteria provided, multiple submitters, no conflicts (2 of 4 stars). 2 submissions from 2 submitters: Uncertain significance (2). Last evaluated 2025-11-05.

Conditions:
Epileptic encephalopathy. Identifiers: MedGen C0543888, HP:0200134.

gnomAD v4.1: 8 of 1,612,806 alleles (0.0005%); highest among the groups gnomAD compares: East Asian, 0.0022%; no homozygotes.

Submissions (2):

Labcorp Genetics (formerly Invitae), Labcorp
Classification: Uncertain significance for Epileptic encephalopathy. Last evaluated: 2025-11-05. Review status: criteria provided, single submitter. Criteria: Invitae Variant Classification Sherloc (09022015). Collection method: clinical testing. Allele origin: germline.
Comment: This sequence change replaces alanine, which is neutral and non-polar, with threonine, which is neutral and polar, at codon 2430 of the FASN protein (p.Ala2430Thr). The frequency data for this variant in the population databases is considered unreliable, as metrics indicate poor data quality at this position in the gnomAD database. This variant has not been reported in the literature in individuals affected with FASN-related conditions. ClinVar contains an entry for this variant (Variation ID: 3848898). An algorithm developed to predict the effect of missense changes on protein structure and function (PolyPhen-2) suggests that this variant is likely to be disruptive. In summary, the available evidence is currently insufficient to determine the role of this variant in disease. Therefore, it has been classified as a Variant of Uncertain Significance.

Ambry Genetics
Classification: Uncertain significance. Last evaluated: 2025-02-07. Review status: criteria provided, single submitter. Criteria: Ambry Variant Classification Scheme 2023. Collection method: clinical testing. Allele origin: germline.